The following is an entry in ClinVar:

NM_014847.4(UBAP2L):c.1899A>G (p.Gln633=)

Gene: UBAP2L (ubiquitin associated protein 2 like; plus strand). Cytogenetic location: 1q21.3.
Variant type: single nucleotide variant.
Coding change: c.1899A>G on transcript NM_014847.4 (MANE Select); coding-DNA position 1899, A replaced by G.
Protein change: p.Gln633=; no amino-acid change (glutamine 633 retained).
Molecular consequence: synonymous variant.
Genome position (GRCh38, 1-based): chr1:154,254,880, A>G. VCF-style: chr1-154254880-A-G. GRCh37 (hg19) VCF-style: chr1-154227356-A-G.
Other names: c.1899A>G, p.Gln633= (NM_001127320.3, NM_001375614.1, NM_001375615.1 and 14 more transcripts); c.1878A>G, p.Gln626= (NM_001287815.1); c.1932A>G, p.Gln644= (NM_001287816.1, NM_001330730.1, NM_001375612.1 and 2 more transcripts).
Identifiers: ClinVar variation 4821130 (VCV004821130.4).

ClinVar aggregate classification (germline): Likely benign (1 of 4 stars; one submission).

gnomAD v4.1: 319 of 1,599,188 alleles (0.02%); highest among the groups gnomAD compares: Admixed American, 0.25%; 3 homozygotes.

Submission:

CeGaT Center for Human Genetics Tuebingen
Classification: Likely benign. Last evaluated: 2026-07-01. Review status: criteria provided, single submitter. Criteria: CeGaT Center For Human Genetics Tuebingen Variant Classification Criteria Version 2. Collection method: clinical testing. Allele origin: germline. Affected: yes. Observed: 2 variant alleles.
Comment: UBAP2L: BP4, BP7